The following is an entry in ClinVar:

ClinVar aggregate classification (germline): Uncertain significance (1 of 4 stars; one submission).

Conditions:
Joubert syndrome. Also called: JOUBERT-BOLTSHAUSER SYNDROME; Familial aplasia of the vermis. Identifiers: Orphanet 475, MedGen C5979921, MONDO:0018772.
Meckel-Gruber syndrome. Also called: Dysencephalia splachnocystica; DYSENCEPHALIA SPLANCHNOCYSTICA; GRUBER SYNDROME. Identifiers: Orphanet 564, MedGen C0265215, MONDO:0018921.

Submission:

Labcorp Genetics (formerly Invitae), Labcorp
Classification: Uncertain significance for Joubert syndrome; Meckel-Gruber syndrome. Last evaluated: 2022-06-13. Review status: criteria provided, single submitter. Criteria: Invitae Variant Classification Sherloc (09022015). Collection method: clinical testing. Allele origin: germline.
Comment: In summary, the available evidence is currently insufficient to determine the role of this variant in disease. Therefore, it has been classified as a Variant of Uncertain Significance. Advanced modeling of protein sequence and biophysical properties (such as structural, functional, and spatial information, amino acid conservation, physicochemical variation, residue mobility, and thermodynamic stability) performed at Invitae indicates that this missense variant is expected to disrupt CC2D2A protein function. ClinVar contains an entry for this variant (Variation ID: 1041038). This variant has not been reported in the literature in individuals affected with CC2D2A-related conditions. This variant is not present in population databases (gnomAD no frequency). This sequence change replaces valine, which is neutral and non-polar, with methionine, which is neutral and non-polar, at codon 1045 of the CC2D2A protein (p.Val1045Met).

NM_001378615.1(CC2D2A):c.3133G>A (p.Val1045Met)

Genes: CC2D2A (coiled-coil and C2 domain containing 2A; plus strand), FBXL5 (F-box and leucine rich repeat protein 5; minus strand). Cytogenetic location: 4p15.32.
Variant type: single nucleotide variant.
Coding change: c.3133G>A on transcript NM_001378615.1 (MANE Select); coding-DNA position 3133, G replaced by A.
Protein change: p.Val1045Met; replaces valine 1045 with methionine.
Molecular consequence: missense variant.
Genome position (GRCh38, 1-based): chr4:15,563,473, G>A. VCF-style: chr4-15563473-G-A. GRCh37 (hg19) VCF-style: chr4-15565096-G-A.
Other names: c.3133G>A, p.Val1045Met (NM_001080522.2); c.2986G>A, p.Val996Met (NM_001378617.1); short protein forms V1045M, V996M.
Identifiers: ClinVar variation 1041038 (VCV001041038.10), dbSNP rs1473580177, ClinGen allele CA356416084.